The following is an entry in ClinVar:

NM_138694.4(PKHD1):c.7882G>C (p.Glu2628Gln)

Gene: PKHD1 (PKHD1 ciliary IPT domain containing fibrocystin/polyductin; minus strand). Cytogenetic location: 6p12.2.
Variant type: single nucleotide variant.
Coding change: c.7882G>C on transcript NM_138694.4 (MANE Select); coding-DNA position 7882, G replaced by C.
Protein change: p.Glu2628Gln; replaces glutamic acid 2628 with glutamine.
Molecular consequence: missense variant.
Genome position (GRCh38, 1-based): chr6:51,855,922, C>G on the plus strand (G>C on the coding strand, the complement: PKHD1 is on the minus strand). VCF-style: chr6-51855922-C-G. GRCh37 (hg19) VCF-style: chr6-51720720-C-G.
Other names: c.7882G>C, p.Glu2628Gln (NM_170724.3); short protein forms E2628Q.
Identifiers: ClinVar variation 4983966 (VCV004983966.1).

ClinVar aggregate classification (germline): Uncertain significance (1 of 4 stars; one submission).

Conditions:
PKHD1-related disorder. Also called: PKHD1-related condition.

gnomAD v4.1: 5 of 1,613,968 alleles (0.00031%); highest among the groups gnomAD compares: Non-Finnish European, 0.00042%; no homozygotes.

Submission:

PreventionGenetics, part of Exact Sciences
Classification: Uncertain significance for PKHD1-related condition. Last evaluated: 2025-10-20. Review status: criteria provided, single submitter. Criteria: ACMG Guidelines, 2015. Collection method: clinical testing. Allele origin: germline.
Comment: The PKHD1 c.7882G>C variant is predicted to result in the amino acid substitution p.Glu2628Gln. To our knowledge, this variant has not been reported in the literature. This variant is reported in 0.0065% of alleles in individuals of European (Non-Finnish) descent in gnomAD. At this time, the clinical significance of this variant is uncertain due to the absence of conclusive functional and genetic evidence.